The following is an entry in ClinVar:

NM_000455.5(STK11):c.863-14C>G

Gene: STK11 (serine/threonine kinase 11; plus strand). Cytogenetic location: 19p13.3.
Variant type: single nucleotide variant.
Coding change: c.863-14C>G on transcript NM_000455.5 (MANE Select); 14 bases into the intron before coding-DNA position 863, C replaced by G.
Molecular consequence: intron variant.
Genome position (GRCh38, 1-based): chr19:1,221,935, C>G. VCF-style: chr19-1221935-C-G. GRCh37 (hg19) VCF-style: chr19-1221934-C-G.
Identifiers: ClinVar variation 420212 (VCV000420212.18), dbSNP rs756001994, ClinGen allele CA16620752.

ClinVar aggregate classification (germline): Conflicting classifications of pathogenicity. Review status: criteria provided, conflicting classifications (1 of 4 stars). 5 submissions from 5 submitters: Uncertain significance (3); Likely benign (2). Last evaluated 2025-09-14.

Conditions:
Hereditary cancer-predisposing syndrome. Also called: Hereditary neoplastic syndrome; Hereditary Cancer Syndrome; Neoplastic Syndromes, Hereditary; Tumor predisposition. Identifiers: Orphanet 140162, MedGen C0027672, MeSH D009386, MONDO:0015356.
Peutz-Jeghers syndrome (PJS). Also called: Peutz-Jeghers polyposis; Periorificial lentiginosis syndrome; POLYPOSIS, HAMARTOMATOUS INTESTINAL; POLYPS-AND-SPOTS SYNDROME. Identifiers: Orphanet 2869, MedGen C0031269, MeSH D010580, MONDO:0008280, OMIM 175200.

gnomAD v4.1: 2 of 1,552,032 alleles (0.00013%); highest among the groups gnomAD compares: Non-Finnish European, 0.00017%; no homozygotes.

Submissions (5):

Labcorp Genetics (formerly Invitae), Labcorp
Classification: Likely benign for Peutz-Jeghers syndrome. Last evaluated: 2025-09-14. Review status: criteria provided, single submitter. Criteria: Invitae Variant Classification Sherloc (09022015). Collection method: clinical testing. Allele origin: germline.

Color Diagnostics, LLC DBA Color Health
Classification: Likely benign for Hereditary cancer-predisposing syndrome. Last evaluated: 2024-08-06. Review status: criteria provided, single submitter. Criteria: ACMG Guidelines, 2015. Collection method: clinical testing. Allele origin: germline.

All of Us Research Program, National Institutes of Health
Classification: Uncertain significance for Peutz-Jeghers syndrome. Last evaluated: 2023-04-03. Review status: criteria provided, single submitter. Criteria: ACMG Guidelines, 2015. Collection method: clinical testing. Allele origin: germline. Inheritance: Autosomal dominant inheritance. Observed: 1 variant allele, 1 heterozygote.
Comment: This variant causes a C to G nucleotide substitution at the -14 position of intron 6 of the STK11 gene. Splice site prediction tools suggest that this variant may not impact RNA splicing. However, this prediction has not been confirmed in published RNA studies. To our knowledge, this variant has not been reported in individuals affected with hereditary cancer in the literature. This variant has not been identified in the general population by the Genome Aggregation Database (gnomAD). The available evidence is insufficient to determine the role of this variant in disease conclusively. Therefore, this variant is classified as a Variant of Uncertain Significance.

This study involves interpretation of variants in research participants for the purpose of population health screening. Participant phenotype was not available at the time of variant classification. Additional details can be found in publication PMID: 35346344, PMCID: PMC8962531

Genome-Nilou Lab
Classification: Uncertain significance for Peutz-Jeghers syndrome. Last evaluated: 2021-07-15. Review status: criteria provided, single submitter. Criteria: ACMG Guidelines, 2015. Collection method: clinical testing. Allele origin: germline. Affected: no.

GeneDx
Classification: Uncertain significance. Last evaluated: 2016-11-23. Review status: criteria provided, single submitter. Criteria: GeneDx Variant Classification (06012015). Collection method: clinical testing. Allele origin: germline. Affected: yes.
Comment: This variant is denoted STK11 c.863-14C>G or IVS6-14C>G and consists of a C>G nucleotide substitution at the -14 position of intron 6 of the STK11 gene. Multiple in silico models predict this variant to weaken the nearby natural acceptor site, and to possibly cause abnormal gene splicing; however, in the absence of RNA or functional studies, the actual effect of this variant is unknown. STK11 c.863-14C>G was not observed in approximately 5,800 individuals of European and African American ancestry in the NHLBI Exome Sequencing Project, indicating it is not a common benign variant in these populations. This variant has not, to our knowledge, been published in the literature as pathogenic or benign. The cytosine (C) nucleotide that is altered is not conserved across species. Based on currently available information, it is unclear whether STK11 c.863-14C>G is pathogenic or benign.